The following is an entry in ClinVar:

ClinVar aggregate classification (germline): Uncertain significance (1 of 4 stars; one submission).

Conditions:
Mitochondrial complex II deficiency, nuclear type 1. Also called: SUCCINATE CoQ REDUCTASE DEFICIENCY. Identifiers: Orphanet 3208, MedGen C5700310, MONDO:0100294, OMIM 252011.
Pheochromocytoma/paraganglioma syndrome 5. Also called: Paragangliomas 5; SDHA-Related Hereditary Paraganglioma-Pheochromocytoma Syndrome. Identifiers: Orphanet 29072, MedGen C3279992, MONDO:0013602, OMIM 614165.

Submission:

Labcorp Genetics (formerly Invitae), Labcorp
Classification: Uncertain significance for Pheochromocytoma/paraganglioma syndrome 5; Mitochondrial complex II deficiency, nuclear type 1. Last evaluated: 2025-05-22. Review status: criteria provided, single submitter. Criteria: Invitae Variant Classification Sherloc (09022015). Collection method: clinical testing. Allele origin: germline.
Comment: This sequence change falls in intron 10 of the SDHA gene. It does not directly change the encoded amino acid sequence of the SDHA protein. It affects a nucleotide within the consensus splice site. This variant is not present in population databases (gnomAD no frequency). This variant has not been reported in the literature in individuals affected with SDHA-related conditions. Variants that disrupt the consensus splice site are a relatively common cause of aberrant splicing (PMID: 17576681, 9536098). Algorithms developed to predict the effect of sequence changes on RNA splicing suggest that this variant is not likely to affect RNA splicing. In summary, the available evidence is currently insufficient to determine the role of this variant in disease. Therefore, it has been classified as a Variant of Uncertain Significance.

Literature cited by the submitters: PubMed 17576681; PubMed 9536098.

NM_004168.4(SDHA):c.1432+6T>C

Gene: SDHA (succinate dehydrogenase complex flavoprotein subunit A; plus strand). Cytogenetic location: 5p15.33.
Variant type: single nucleotide variant.
Coding change: c.1432+6T>C on transcript NM_004168.4 (MANE Select); 6 bases into the intron after coding-DNA position 1432, T replaced by C.
Molecular consequence: intron variant.
Genome position (GRCh38, 1-based): chr5:236,605, T>C. VCF-style: chr5-236605-T-C. GRCh37 (hg19) VCF-style: chr5-236720-T-C.
Other names: c.1432+6T>C (NM_001330758.2); c.1288+6T>C (NM_001294332.2).
Identifiers: ClinVar variation 4783989 (VCV004783989.1).
Genomic context (GRCh38, chr5:236,605, plus strand): 5'-CTGGTTGTCTTTGGTCGGGCATGTGCCCTGAGCATCGAAGAGTCATGCAGGCCTGGTAAG[T>C]GTTTTCTTCAGGAGCCAGACTATTTGAGAAGGCGCAGGACGTTAGAAAGTCTTTTTTCTT-3'